The following is an entry in ClinVar:

NM_001142800.2(EYS):c.4231T>C (p.Phe1411Leu)

Gene: EYS (eyes shut homolog; minus strand). Cytogenetic location: 6q12.
Variant type: single nucleotide variant.
Coding change: c.4231T>C on transcript NM_001142800.2 (MANE Select); coding-DNA position 4231, T replaced by C.
Protein change: p.Phe1411Leu; replaces phenylalanine 1411 with leucine.
Molecular consequence: missense variant.
Genome position (GRCh38, 1-based): chr6:64,591,636, A>G on the plus strand (T>C on the coding strand, the complement: EYS is on the minus strand). VCF-style: chr6-64591636-A-G. GRCh37 (hg19) VCF-style: chr6-65301529-A-G.
Other names: c.4231T>C, p.Phe1411Leu (NM_001292009.2); short protein forms F1411L.
Identifiers: ClinVar variation 2418925 (VCV002418925.4), dbSNP rs1766413903, ClinGen allele CA364783762.

ClinVar aggregate classification (germline): Uncertain significance (1 of 4 stars; one submission).

Allele frequency attached by ClinVar (database versions not stated): gnomAD exomes below 0.00001.
gnomAD v4.1: 2 of 1,551,170 alleles (0.00013%); highest among the groups gnomAD compares: Non-Finnish European, 0.000087%; no homozygotes.

Submission:

Labcorp Genetics (formerly Invitae), Labcorp
Classification: Uncertain significance. Last evaluated: 2021-12-18. Review status: criteria provided, single submitter. Criteria: Invitae Variant Classification Sherloc (09022015). Collection method: clinical testing. Allele origin: germline.
Comment: In summary, the available evidence is currently insufficient to determine the role of this variant in disease. Therefore, it has been classified as a Variant of Uncertain Significance. Algorithms developed to predict the effect of missense changes on protein structure and function output the following: SIFT: "Tolerated"; PolyPhen-2: "Benign"; Align-GVGD: "Class C0". The leucine amino acid residue is found in multiple mammalian species, which suggests that this missense change does not adversely affect protein function. This variant has not been reported in the literature in individuals affected with EYS-related conditions. This variant is not present in population databases (gnomAD no frequency). This sequence change replaces phenylalanine, which is neutral and non-polar, with leucine, which is neutral and non-polar, at codon 1411 of the EYS protein (p.Phe1411Leu).